The following is an entry in ClinVar:

ClinVar aggregate classification (germline): Benign. Review status: criteria provided, single submitter (1 of 4 stars). 2 submissions from 2 submitters: Benign (1). 1 of the submissions does not count toward it. Last evaluated 2018-07-11.

Conditions:
CACNA2D3-related disorder. Also called: CACNA2D3-related condition.

Allele frequency attached by ClinVar (database versions not stated): 1000 Genomes Project 30x 0.00375; 1000 Genomes Project 0.00379; TOPMed 0.00574; gnomAD 0.00763 and 0.00792; ESP Exome Variant Server 0.00830.
gnomAD v4.1: 15,612 of 1,613,880 alleles (0.97%); highest among the groups gnomAD compares: Non-Finnish European, 1.1%; 82 homozygotes.

Submissions (2):

Labcorp Genetics (formerly Invitae), Labcorp
Classification: Benign. Last evaluated: 2018-07-11. Review status: criteria provided, single submitter. Criteria: Invitae Variant Classification Sherloc (09022015). Collection method: clinical testing. Allele origin: germline.

PreventionGenetics, part of Exact Sciences
Classification: Benign for CACNA2D3-related condition. Last evaluated: 2019-05-10. Review status: no assertion criteria provided. Collection method: clinical testing. Allele origin: germline. Not counted in ClinVar's aggregate classification.
Comment: This variant is classified as benign based on ACMG/AMP sequence variant interpretation guidelines (Richards et al. 2015 PMID: 25741868, with internal and published modifications).

NM_018398.3(CACNA2D3):c.2195C>T (p.Thr732Met)

Genes: CACNA2D3 (calcium voltage-gated channel auxiliary subunit alpha2delta 3; plus strand), CACNA2D3-AS1 (CACNA2D3 antisense RNA 1; minus strand). Cytogenetic location: 3p14.3.
Variant type: single nucleotide variant.
Coding change: c.2195C>T on transcript NM_018398.3 (MANE Select); coding-DNA position 2195, C replaced by T.
Protein change: p.Thr732Met; replaces threonine 732 with methionine.
Molecular consequence: missense variant.
Genome position (GRCh38, 1-based): chr3:54,891,399, C>T. VCF-style: chr3-54891399-C-T. GRCh37 (hg19) VCF-style: chr3-54925426-C-T.
Other names: short protein forms T732M.
Identifiers: ClinVar variation 773444 (VCV000773444.5), dbSNP rs112362995, ClinGen allele CA2458102.